The following is an entry in ClinVar:

ClinVar aggregate classification (germline): Likely pathogenic (1 of 4 stars; one submission).

Conditions:
Epilepsy, familial adult myoclonic, 5 (EPEO5). Also called: CORTICAL MYOCLONIC TREMOR WITH EPILEPSY, FAMILIAL, 5. Identifiers: Orphanet 86814, MedGen C3809374, MONDO:0014167, OMIM 615400.

Submission:

Labcorp Genetics (formerly Invitae), Labcorp
Classification: Likely pathogenic for Epilepsy, familial adult myoclonic, 5. Last evaluated: 2024-05-20. Review status: criteria provided, single submitter. Criteria: Invitae Variant Classification Sherloc (09022015). Collection method: clinical testing. Allele origin: germline.
Comment: This sequence change affects an acceptor splice site in intron 17 of the CNTN2 gene. It is expected to disrupt RNA splicing. Variants that disrupt the donor or acceptor splice site typically lead to a loss of protein function (PMID: 16199547), and loss-of-function variants in CNTN2 are known to be pathogenic (PMID: 11178983, 23518707). This variant is not present in population databases (gnomAD no frequency). This variant has not been reported in the literature in individuals affected with CNTN2-related conditions. ClinVar contains an entry for this variant (Variation ID: 2096043). Algorithms developed to predict the effect of sequence changes on RNA splicing suggest that this variant may disrupt the consensus splice site. In summary, the currently available evidence indicates that the variant is pathogenic, but additional data are needed to prove that conclusively. Therefore, this variant has been classified as Likely Pathogenic.

Literature cited by the submitters: PubMed 16199547; PubMed 11178983; PubMed 23518707.

NM_005076.5(CNTN2):c.2197-2A>G

Gene: CNTN2 (contactin 2; plus strand). Cytogenetic location: 1q32.1.
Variant type: single nucleotide variant.
Coding change: c.2197-2A>G on transcript NM_005076.5 (MANE Select); the canonical splice acceptor site of the intron before coding-DNA position 2197, A replaced by G.
Molecular consequence: splice acceptor variant.
Genome position (GRCh38, 1-based): chr1:205,069,825, A>G. VCF-style: chr1-205069825-A-G. GRCh37 (hg19) VCF-style: chr1-205038953-A-G.
Other names: c.2197-2A>G (NM_001346083.2).
Identifiers: ClinVar variation 2096043 (VCV002096043.4), dbSNP rs2526413187, ClinGen allele CA344378205.